The following is an entry in ClinVar:

ClinVar aggregate classification (germline): Benign (1 of 4 stars; one submission).

Allele frequency attached by ClinVar (database versions not stated): gnomAD 0.08290; TOPMed 0.09155; 1000 Genomes Project 30x 0.14631; 1000 Genomes Project 0.15276.
gnomAD v4.1: 12,040 of 148,802 alleles (8.1%); highest among the groups gnomAD compares: East Asian, 45%; 954 homozygotes.

Submission:

GeneDx
Classification: Benign. Last evaluated: 2018-06-14. Review status: criteria provided, single submitter. Criteria: GeneDx Variant Classification (06012015). Collection method: clinical testing. Allele origin: germline. Affected: yes.
Comment: This variant is considered likely benign or benign based on one or more of the following criteria: it is a conservative change, it occurs at a poorly conserved position in the protein, it is predicted to be benign by multiple in silico algorithms, and/or has population frequency not consistent with disease.

NM_172107.4(KCNQ2):c.1888-195C>G

Gene: KCNQ2 (potassium voltage-gated channel subfamily Q member 2; minus strand). Cytogenetic location: 20q13.33.
Variant type: single nucleotide variant.
Coding change: c.1888-195C>G on transcript NM_172107.4 (MANE Select); 195 bases into the intron before coding-DNA position 1888, C replaced by G.
Molecular consequence: intron variant.
Genome position (GRCh38, 1-based): chr20:63,407,570, G>C on the plus strand (C>G on the coding strand, the complement: KCNQ2 is on the minus strand). VCF-style: chr20-63407570-G-C. GRCh37 (hg19) VCF-style: chr20-62038923-G-C.
Other names: c.1804-195C>G (NM_004518.6); c.1795-195C>G (NM_172108.5); c.1834-195C>G (NM_172106.3).
Identifiers: ClinVar variation 682066 (VCV000682066.1), dbSNP rs3746361, ClinGen allele CA317422894.